The following is an entry in ClinVar:

ClinVar aggregate classification (germline): Uncertain significance (1 of 4 stars; one submission).

Conditions:
Left ventricular noncompaction 8 (LVNC8). Identifiers: Orphanet 154, Orphanet 54260, MedGen C3809288, MONDO:0014152, OMIM 615373.

Allele frequency attached by ClinVar (database versions not stated): gnomAD exomes below 0.00001; gnomAD 0.00001.
gnomAD v4.1: 3 of 1,472,428 alleles (0.0002%); highest among the groups gnomAD compares: South Asian, 0.0028%; no homozygotes.

Submission:

Labcorp Genetics (formerly Invitae), Labcorp
Classification: Uncertain significance for Left ventricular noncompaction 8. Last evaluated: 2023-10-03. Review status: criteria provided, single submitter. Criteria: Invitae Variant Classification Sherloc (09022015). Collection method: clinical testing. Allele origin: germline.
Comment: This sequence change replaces methionine, which is neutral and non-polar, with valine, which is neutral and non-polar, at codon 863 of the PRDM16 protein (p.Met863Val). This variant is present in population databases (no rsID available, gnomAD no frequency). This variant has not been reported in the literature in individuals affected with PRDM16-related conditions. ClinVar contains an entry for this variant (Variation ID: 933504). An algorithm developed to predict the effect of missense changes on protein structure and function (PolyPhen-2) suggests that this variant is likely to be tolerated. In summary, the available evidence is currently insufficient to determine the role of this variant in disease. Therefore, it has been classified as a Variant of Uncertain Significance.

NM_022114.4(PRDM16):c.2587A>G (p.Met863Val)

Gene: PRDM16 (PR/SET domain 16; plus strand). Cytogenetic location: 1p36.32.
Variant type: single nucleotide variant.
Coding change: c.2587A>G on transcript NM_022114.4 (MANE Select); coding-DNA position 2587, A replaced by G.
Protein change: p.Met863Val; replaces methionine 863 with valine.
Molecular consequence: missense variant.
Genome position (GRCh38, 1-based): chr1:3,412,784, A>G. VCF-style: chr1-3412784-A-G. GRCh37 (hg19) VCF-style: chr1-3329348-A-G.
Other names: c.2587A>G, p.Met863Val (NM_199454.3); short protein forms M863V.
Identifiers: ClinVar variation 933504 (VCV000933504.9), dbSNP rs1489156449, ClinGen allele CA338001002.